The following is an entry in ClinVar:

NM_001283009.2(RTEL1):c.959T>C (p.Met320Thr)

Genes: RTEL1 (regulator of telomere elongation helicase 1; plus strand), RTEL1-TNFRSF6B (RTEL1-TNFRSF6B readthrough (NMD candidate); plus strand). Cytogenetic location: 20q13.33.
Variant type: single nucleotide variant.
Coding change: c.959T>C on transcript NM_001283009.2 (MANE Select); coding-DNA position 959, T replaced by C.
Protein change: p.Met320Thr; replaces methionine 320 with threonine.
Molecular consequence: missense variant. On other transcripts: non-coding transcript variant (1).
Genome position (GRCh38, 1-based): chr20:63,678,268, T>C. VCF-style: chr20-63678268-T-C. GRCh37 (hg19) VCF-style: chr20-62309621-T-C.
Other names: p.Met344Thr; c.290T>C, p.Met97Thr (NM_001283010.1); c.959T>C, p.Met320Thr (NM_016434.4); c.1031T>C, p.Met344Thr (NM_032957.5); short protein forms M320T, M344T, M97T.
Identifiers: ClinVar variation 540945 (VCV000540945.45), dbSNP rs143550996, ClinGen allele CA9964545.

ClinVar aggregate classification (germline): Conflicting classifications of pathogenicity. Review status: criteria provided, conflicting classifications (1 of 4 stars). 9 submissions from 9 submitters: Uncertain significance (3); Likely benign (4). 2 of the submissions do not count toward it. Last evaluated 2026-02-02.

Conditions:
RTEL1-related disorder. Also called: RTEL1-related condition; RTEL1-related disorders.
Dyskeratosis congenita. Identifiers: Orphanet 1775, MedGen C0265965, MONDO:0015780.
Pulmonary fibrosis and/or bone marrow failure, Telomere-related, 3. Also called: PULMONARY FIBROSIS AND/OR BONE MARROW FAILURE SYNDROME, TELOMERE-RELATED, 3. Identifiers: Orphanet 2032, MedGen C4225346, MONDO:0014613, OMIM 616373.
Dyskeratosis congenita, autosomal recessive 5 (DKCB5). Identifiers: MedGen C3554656, MONDO:0014076, OMIM 615190.

Allele frequency attached by ClinVar (database versions not stated): TOPMed 0.00091; gnomAD 0.00107 and 0.00108; 1000 Genomes Project 30x 0.00078; 1000 Genomes Project 0.00080; ESP Exome Variant Server 0.00085; ExAC 0.00109; gnomAD exomes 0.00112 and 0.00160.

Submissions (9):

Labcorp Genetics (formerly Invitae), Labcorp
Classification: Likely benign for Dyskeratosis congenita, autosomal recessive 5; Pulmonary fibrosis and/or bone marrow failure, Telomere-related, 3. Last evaluated: 2026-02-02. Review status: criteria provided, single submitter. Criteria: Invitae Variant Classification Sherloc (09022015). Collection method: clinical testing. Allele origin: germline.

Mayo Clinic Laboratories, Mayo Clinic
Classification: Likely benign. Last evaluated: 2025-09-24. Review status: criteria provided, single submitter. Criteria: ACMG Guidelines, 2015. Collection method: clinical testing. Allele origin: germline. Observed: 5 variant alleles.
Comment: BS1, BP4

PreventionGenetics, part of Exact Sciences
Classification: Likely benign for RTEL1-related condition. Last evaluated: 2025-01-07. Review status: criteria provided, single submitter. Criteria: ACMG Guidelines, 2015. Collection method: clinical testing. Allele origin: germline.
Comment: This variant is classified as likely benign based on ACMG/AMP sequence variant interpretation guidelines (Richards et al. 2015 PMID: 25741868, with internal and published modifications).

Blueprint Genetics
Classification: Likely benign. Last evaluated: 2024-10-29. Review status: criteria provided, single submitter. Criteria: ACMG Guidelines, 2015. Collection method: clinical testing. Allele origin: germline.

CeGaT Center for Human Genetics Tuebingen
Classification: Uncertain significance. Last evaluated: 2022-07-01. Review status: criteria provided, single submitter. Criteria: CeGaT Center For Human Genetics Tuebingen Variant Classification Criteria Version 2. Collection method: clinical testing. Allele origin: germline. Affected: yes. Observed: 1 variant allele.

Sema4
Classification: Uncertain significance for Dyskeratosis congenita. Last evaluated: 2021-09-23. Review status: criteria provided, single submitter. Criteria: Sema4 Curation Guidelines. Collection method: curation. Allele origin: germline.
Comment: The RTEL1 c.959T>C (p.M320T) variant has been reported in heterozygosity in at least two individuals with myelodysplastic syndrome (PMID: 29344583). However, only one of the two individuals had shortened telomeres which suggests that the variant may be benign. It was observed in 55/24900 chromosomes of the Finnish subpopulation, with no homozygotes, in the large and broad cohorts of the Genome Aggregation Database (PMID: 32461654). The variant has been reported in ClinVar (Variation ID 540945). Functional studies have not been performed, and in silico predictions of the variant's effect on protein function are inconclusive. There is no indication that this variant causes disease, but the evidence is insufficient currently to prove that conclusively. Thus, the clinical significance of this variant is currently uncertain.

GeneDx
Classification: Uncertain significance. Last evaluated: 2021-03-02. Review status: criteria provided, single submitter. Criteria: GeneDx Variant Classification Process June 2021. Collection method: clinical testing. Allele origin: germline. Affected: yes.
Comment: Identified in two individuals with suspected familial bone marrow failure, one with shortened telomeres that also carried a variant in TERT, and another with normal telomere length (Marsh 2018); In silico analysis supports that this missense variant does not alter protein structure/function; Also known as M320T (c.959T>C); This variant is associated with the following publications: (PMID: 29344583)

Genetic Services Laboratory, University of Chicago
Classification: Uncertain significance. Last evaluated: 2022-05-18. Review status: no assertion criteria provided. Collection method: clinical testing. Allele origin: germline. Affected: no. Not counted in ClinVar's aggregate classification.
Comment: DNA sequence analysis of the RTEL1 gene demonstrated a sequence change, c.1031T>C, in exon 12 that results in an amino acid change, p.Met344Thr (cDNA transcript used: NM_032957.4). This sequence change has been described in the gnomAD database with a frequency of 0.22% in the European Finnish subpopulation (dbSNP rs143550996). The p.Met344Thr change affects a poorly conserved amino acid residue located in a domain of the RTEL1 protein that is known to be functional. The p.Met344Thr substitution appears to be benign using several in-silico pathogenicity prediction tools (SIFT, PolyPhen2, Align GVGD, REVEL). This sequence change does not appear to have been previously described in individuals with RTEL1-related disorders. Due to insufficient evidences and the lack of functional studies, the clinical significance of the p.Met344Thr change remains unknown at this time.

Natera, Inc.
Classification: Likely benign for Dyskeratosis congenita. Last evaluated: 2020-09-16. Review status: no assertion criteria provided. Collection method: clinical testing. Allele origin: germline. Not counted in ClinVar's aggregate classification.

Literature cited by the submitters: PubMed 29344583 (cited by Sema4).